The following is an entry in ClinVar:

NM_001080483.3(MYMK):c.535G>A (p.Val179Ile)

Gene: MYMK (myomaker, myoblast fusion factor; minus strand). Cytogenetic location: 9q34.2.
Variant type: single nucleotide variant.
Coding change: c.535G>A on transcript NM_001080483.3 (MANE Select); coding-DNA position 535, G replaced by A.
Protein change: p.Val179Ile; replaces valine 179 with isoleucine.
Molecular consequence: missense variant.
Genome position (GRCh38, 1-based): chr9:133,514,767, C>T on the plus strand (G>A on the coding strand, the complement: MYMK is on the minus strand). VCF-style: chr9-133514767-C-T. GRCh37 (hg19) VCF-style: chr9-136379889-C-T.
Other names: short protein forms V179I.
Identifiers: ClinVar variation 1031044 (VCV001031044.1), dbSNP rs767627055, ClinGen allele CA375390474.

ClinVar aggregate classification (germline): Uncertain significance (1 of 4 stars; one submission).

Conditions:
Congenital nonprogressive myopathy with Moebius and Robin sequences. Also called: Carey-Fineman-Ziter syndrome. Identifiers: Orphanet 1358, MedGen C1850746, MONDO:0031415.

Allele frequency attached by ClinVar (database versions not stated): TOPMed 0.00001.

Submission:

Baylor Genetics
Classification: Uncertain significance for Carey-Fineman-Ziter syndrome 1. Last evaluated: 2020-01-16. Review status: criteria provided, single submitter. Criteria: ACMG Guidelines, 2015. Collection method: clinical testing. Allele origin: unknown. Affected: yes.
Comment: This variant was determined to be of uncertain significance according to ACMG Guidelines, 2015 [PMID:25741868].